The following is an entry in ClinVar:

ClinVar aggregate classification (germline): Uncertain significance (1 of 4 stars; one submission).

Submission:

GeneDx
Classification: Uncertain significance. Last evaluated: 2017-07-31. Review status: criteria provided, single submitter. Criteria: GeneDx Variant Classification (06012015). Collection method: clinical testing. Allele origin: germline. Affected: yes.
Comment: A variant of uncertain significance has been identified in the ISPD gene. The D260G variant has not been published as a pathogenic variant, nor has it been reported as a benign variant to our knowledge. The D260G variant is not observed in large population cohorts (Lek et al., 2016; 1000 Genomes Consortium et al., 2015; Exome Variant Server). The D260G variant is a non-conservative amino acid substitution, which is likely to impact secondary protein structure as these residues differ in polarity, charge, size and/or other properties. This substitution occurs at a position that is conserved in mammals. In silico analysis is inconsistent in its predictions as to whether or not the variant is damaging to the protein structure/function. Therefore, based on the currently available information, it is unclear whether this variant is a pathogenic variant or a rare benign variant.

NM_001101426.4(CRPPA):c.779A>G (p.Asp260Gly)

Gene: CRPPA (CDP-L-ribitol pyrophosphorylase A; minus strand). Cytogenetic location: 7p21.2.
Variant type: single nucleotide variant.
Coding change: c.779A>G on transcript NM_001101426.4 (MANE Select); coding-DNA position 779, A replaced by G.
Protein change: p.Asp260Gly; replaces aspartic acid 260 with glycine.
Molecular consequence: missense variant. On other transcripts: intron variant (1).
Genome position (GRCh38, 1-based): chr7:16,308,533, T>C on the plus strand (A>G on the coding strand, the complement: CRPPA is on the minus strand). VCF-style: chr7-16308533-T-C. GRCh37 (hg19) VCF-style: chr7-16348158-T-C.
Other names: c.629A>G, p.Asp210Gly (NM_001101417.4); c.685-7067A>G (NM_001368197.1); short protein forms D260G, D210G.
Identifiers: ClinVar variation 450877 (VCV000450877.2), dbSNP rs1554320085, ClinGen allele CA367001578.